The following is an entry in ClinVar:

NM_000540.3(RYR1):c.13634T>A (p.Leu4545Gln)

Gene: RYR1 (ryanodine receptor 1; plus strand). Cytogenetic location: 19q13.2.
Variant type: single nucleotide variant.
Coding change: c.13634T>A on transcript NM_000540.3 (MANE Select); coding-DNA position 13634, T replaced by A.
Protein change: p.Leu4545Gln; replaces leucine 4545 with glutamine.
Molecular consequence: missense variant.
Genome position (GRCh38, 1-based): chr19:38,567,892, T>A. VCF-style: chr19-38567892-T-A. GRCh37 (hg19) VCF-style: chr19-39058532-T-A.
Other names: c.13619T>A, p.Leu4540Gln (NM_001042723.2); short protein forms L4540Q, L4545Q.
Identifiers: ClinVar variation 4802134 (VCV004802134.1).

ClinVar aggregate classification (germline): Uncertain significance (1 of 4 stars; one submission).

Conditions:
RYR1-related disorder. Also called: RYR1-related condition; RYR1-related disorders. Identifiers: MedGen CN239331.

Submission:

Labcorp Genetics (formerly Invitae), Labcorp
Classification: Uncertain significance for RYR1-related disorder. Last evaluated: 2025-08-03. Review status: criteria provided, single submitter. Criteria: Invitae Variant Classification Sherloc (09022015). Collection method: clinical testing. Allele origin: germline.
Comment: This sequence change replaces leucine, which is neutral and non-polar, with glutamine, which is neutral and polar, at codon 4545 of the RYR1 protein (p.Leu4545Gln). This variant is not present in population databases (gnomAD no frequency). This variant has not been reported in the literature in individuals affected with RYR1-related conditions. Invitae Evidence Modeling of protein sequence and biophysical properties (such as structural, functional, and spatial information, amino acid conservation, physicochemical variation, residue mobility, and thermodynamic stability) indicates that this missense variant is not expected to disrupt RYR1 protein function with a negative predictive value of 80%. In summary, the available evidence is currently insufficient to determine the role of this variant in disease. Therefore, it has been classified as a Variant of Uncertain Significance.